The following is an entry in ClinVar:

ClinVar aggregate classification (germline): Pathogenic (1 of 4 stars; one submission).

Conditions:
Neurofibromatosis, type 1 (NF1). Also called: NEUROFIBROMATOSIS, TYPE I, SOMATIC; VON RECKLINGHAUSEN DISEASE; Peripheral type neurofibromatosis; Neurofibromatosis, type I. Identifiers: Orphanet 636, MedGen C0027831, MONDO:0018975, OMIM 162200. Disease mechanism: loss of function.

Submission:

Labcorp Genetics (formerly Invitae), Labcorp
Classification: Pathogenic for Neurofibromatosis, type 1. Last evaluated: 2025-04-18. Review status: criteria provided, single submitter. Criteria: Invitae Variant Classification Sherloc (09022015). Collection method: clinical testing. Allele origin: germline.
Comment: This sequence change creates a premature translational stop signal (p.Ser2096Glufs*31) in the NF1 gene. It is expected to result in an absent or disrupted protein product. Loss-of-function variants in NF1 are known to be pathogenic (PMID: 10712197, 23913538). This variant is not present in population databases (gnomAD no frequency). This variant has not been reported in the literature in individuals affected with NF1-related conditions. For these reasons, this variant has been classified as Pathogenic.

Literature cited by the submitters: PubMed 10712197; PubMed 23913538.

NM_001042492.3(NF1):c.6345_6351del (p.Ser2117fs)

Gene: NF1 (neurofibromin 1; plus strand). Cytogenetic location: 17q11.2.
Variant type: Deletion.
Coding change: c.6345_6351del on transcript NM_001042492.3 (MANE Select); coding-DNA positions 6345 to 6351, 7 bases deleted (GCTCTCC; older notation c.6345_6351delGCTCTCC).
Protein change: p.Ser2117fs; shifts the reading frame from serine 2117.
Molecular consequence: frameshift variant.
Genome position (GRCh38, 1-based): chr17:31,336,832-31,336,838, GCTCTCC deleted; deleting any 7 consecutive bases within chr17:31,336,829-31,336,838 gives the same sequence; the c. name uses the placement nearest the transcript's 3' end. VCF-style (leftmost placement, unchanged base first): chr17-31336828-GTCCGCTC-G. GRCh37 (hg19) VCF-style: chr17-29663846-GTCCGCTC-G.
Other names: c.6282_6288del, p.Ser2096fs (NM_000267.4); short protein forms S2096fs, S2117fs.
Identifiers: ClinVar variation 4717869 (VCV004717869.1).
Genomic context (GRCh38, chr17:31,336,828, plus strand): 5'-TTGATGTGGCAGCTCATCTTCCCTACCTCTTCCACGTTGTTACTTTCTTAGTAGCCACAG[GTCCGCTC>G]TCCCTTAGAGCTTCCACACATGGACTGGTCATTAATATCATTCACTCTCTGTGTACTTGT-3'